The following is an entry in ClinVar:

ClinVar aggregate classification (germline): Uncertain significance (1 of 4 stars; one submission).

Submissions (2):

GeneDx
Classification: Uncertain significance. Last evaluated: 2025-01-22. Review status: criteria provided, single submitter. Criteria: GeneDx Variant Classification Process June 2021. Collection method: clinical testing. Allele origin: germline. Affected: yes.
Comment: Not observed at significant frequency in large population cohorts (gnomAD); In silico analysis indicates that this missense variant does not alter protein structure/function; Has not been previously published as pathogenic or benign to our knowledge

Dr. Peter K. Rogan Lab, Western University
No classification provided (evidence only). Condition: Thyroid cancer, nonmedullary, 1. Review status: no classification provided. Collection method: in vitro. Allele origin: not applicable. Functional consequence: retained intron. Not counted in ClinVar's aggregate classification.

NM_001008537.3(NEXMIF):c.3734G>T (p.Gly1245Val)

Gene: NEXMIF (neurite extension and migration factor; minus strand). Cytogenetic location: Xq13.3.
Variant type: single nucleotide variant.
Coding change: c.3734G>T on transcript NM_001008537.3 (MANE Select); coding-DNA position 3734, G replaced by T.
Protein change: p.Gly1245Val; replaces glycine 1245 with valine.
Molecular consequence: missense variant.
Genome position (GRCh38, 1-based): chrX:74,740,823, C>A on the plus strand (G>T on the coding strand, the complement: NEXMIF is on the minus strand). VCF-style: chrX-74740823-C-A. GRCh37 (hg19) VCF-style: chrX-73960658-C-A.
Other names: NC_000023.10:g.73960658C>A; short protein forms G1245V.
Identifiers: ClinVar variation 4071718 (VCV004071718.2).